The following is an entry in ClinVar:

ClinVar aggregate classification (germline): Uncertain significance. Review status: criteria provided, multiple submitters, no conflicts (2 of 4 stars). 2 submissions from 2 submitters: Uncertain significance (2). Last evaluated 2026-07-06.

Conditions:
Hereditary cancer-predisposing syndrome. Also called: Tumor predisposition; Hereditary Cancer Syndrome; Hereditary neoplastic syndrome; Neoplastic Syndromes, Hereditary. Identifiers: Orphanet 140162, MedGen C0027672, MeSH D009386, MONDO:0015356.
Hereditary pheochromocytoma and paraganglioma. Also called: Hereditary paragangliomas and pheochromocytomas; Hereditary pheochromocytoma-paraganglioma; Hereditary Paraganglioma-Pheochromocytoma Syndromes. Identifiers: Orphanet 29072, MedGen C4274332, MONDO:0017366.

Allele frequency attached by ClinVar (database versions not stated): gnomAD exomes below 0.00001.
gnomAD v4.1: 1 of 1,614,140 alleles (0.000062%); highest among the groups gnomAD compares: Non-Finnish European, 0.000085%; no homozygotes.

Submissions (2):

Ambry Genetics
Classification: Uncertain significance for Hereditary cancer-predisposing syndrome. Last evaluated: 2026-07-06. Review status: criteria provided, single submitter. Criteria: Ambry Variant Classification Scheme 2023. Collection method: clinical testing. Allele origin: germline.
Comment: The p.L113P variant (also known as c.338T>C), located in coding exon 2 of the TMEM127 gene, results from a T to C substitution at nucleotide position 338. The leucine at codon 113 is replaced by proline, an amino acid with similar properties. This amino acid position is conserved. In addition, this alteration is predicted to be deleterious by in silico analysis. Based on the available evidence, the clinical significance of this variant remains unclear.

Labcorp Genetics (formerly Invitae), Labcorp
Classification: Uncertain significance for Hereditary pheochromocytoma and paraganglioma. Last evaluated: 2022-02-09. Review status: criteria provided, single submitter. Criteria: Invitae Variant Classification Sherloc (09022015). Collection method: clinical testing. Allele origin: germline.
Comment: This sequence change replaces leucine, which is neutral and non-polar, with proline, which is neutral and non-polar, at codon 113 of the TMEM127 protein (p.Leu113Pro). This variant is not present in population databases (gnomAD no frequency). This variant has not been reported in the literature in individuals affected with TMEM127-related conditions. Algorithms developed to predict the effect of missense changes on protein structure and function (SIFT, PolyPhen-2, Align-GVGD) all suggest that this variant is likely to be disruptive. In summary, the available evidence is currently insufficient to determine the role of this variant in disease. Therefore, it has been classified as a Variant of Uncertain Significance.

NM_017849.4(TMEM127):c.338T>C (p.Leu113Pro)

Gene: TMEM127 (transmembrane protein 127; minus strand). Cytogenetic location: 2q11.2.
Variant type: single nucleotide variant.
Coding change: c.338T>C on transcript NM_017849.4 (MANE Select); coding-DNA position 338, T replaced by C.
Protein change: p.Leu113Pro; replaces leucine 113 with proline.
Molecular consequence: missense variant.
Genome position (GRCh38, 1-based): chr2:96,254,904, A>G on the plus strand (T>C on the coding strand, the complement: TMEM127 is on the minus strand). VCF-style: chr2-96254904-A-G. GRCh37 (hg19) VCF-style: chr2-96920642-A-G.
Other names: c.338T>C, p.Leu113Pro (NM_001193304.3); c.86T>C, p.Leu29Pro (NM_001407282.1, NM_001407283.1); short protein forms L29P, L113P.
Identifiers: ClinVar variation 2095819 (VCV002095819.2), dbSNP rs2467266342, ClinGen allele CA347653406.
Genomic context (GRCh38, chr2:96,254,904, plus strand): 5'-TGGGCGAAGGCATAGCGACGAGTGATCTTCAGAGCAGGATGCTTCGGCCCAAAGACATCC[A>G]GAAGGAAAGCGGAGAGACTACACAGGATGCCCAGGAAACAGAAGGCGGCGATGACCCGCA-3'
Protein context (NP_060319.1, residues 103-123): GILCSLSAFL[Leu113Pro]DVFGPKHPAL